The following is an entry in ClinVar:

ClinVar aggregate classification (germline): Uncertain significance (1 of 4 stars; one submission).

Conditions:
Combined oxidative phosphorylation defect type 27. Also called: Combined oxidative phosphorylation deficiency 27. Identifiers: Orphanet 477774, MedGen C5567608, MONDO:0014728, OMIM 616672.

Allele frequency attached by ClinVar (database versions not stated): ExAC 0.00001; TOPMed 0.00001; gnomAD 0.00002; gnomAD exomes below 0.00001.

Submission:

Labcorp Genetics (formerly Invitae), Labcorp
Classification: Uncertain significance for Combined oxidative phosphorylation defect type 27. Last evaluated: 2022-04-09. Review status: criteria provided, single submitter. Criteria: Invitae Variant Classification Sherloc (09022015). Collection method: clinical testing. Allele origin: germline.
Comment: This sequence change replaces aspartic acid, which is acidic and polar, with histidine, which is basic and polar, at codon 98 of the CARS2 protein (p.Asp98His). This variant is present in population databases (rs774407462, gnomAD 0.0009%). This variant has not been reported in the literature in individuals affected with CARS2-related conditions. ClinVar contains an entry for this variant (Variation ID: 957825). Algorithms developed to predict the effect of missense changes on protein structure and function (SIFT, PolyPhen-2, Align-GVGD) all suggest that this variant is likely to be disruptive. In summary, the available evidence is currently insufficient to determine the role of this variant in disease. Therefore, it has been classified as a Variant of Uncertain Significance.

NM_024537.4(CARS2):c.292G>C (p.Asp98His)

Gene: CARS2 (cysteinyl-tRNA synthetase 2, mitochondrial; minus strand). Cytogenetic location: 13q34.
Variant type: single nucleotide variant.
Coding change: c.292G>C on transcript NM_024537.4 (MANE Select); coding-DNA position 292, G replaced by C.
Protein change: p.Asp98His; replaces aspartic acid 98 with histidine.
Molecular consequence: missense variant. On other transcripts: 5 prime UTR variant (1), non-coding transcript variant (2).
Genome position (GRCh38, 1-based): chr13:110,701,539, C>G on the plus strand (G>C on the coding strand, the complement: CARS2 is on the minus strand). VCF-style: chr13-110701539-C-G. GRCh37 (hg19) VCF-style: chr13-111353886-C-G.
Other names: c.-708G>C (NM_001352252.2); c.292G>C, p.Asp98His (NM_001352253.3); short protein forms D98H.
Identifiers: ClinVar variation 957825 (VCV000957825.7), dbSNP rs774407462, ClinGen allele CA7052317.
Genomic context (GRCh38, chr13:110,701,539, plus strand): 5'-TACCCATCACCATGACTATGCTGCATCCAAAAACCTTGGTTAGGATCCTTCGAATGATAT[C>G]AAATCTAACATATGAGCTGAAAGAAAAAAAGTGTCAGGATGTCTTTATTACACAAAGTCA-3'
Protein context (NP_078813.1, residues 88-108): LGHACSYVRF[Asp98His]IIRRILTKVF